The following is an entry in ClinVar:

NM_030962.4(SBF2):c.3857T>C (p.Val1286Ala)

Gene: SBF2 (SET binding factor 2; minus strand). Cytogenetic location: 11p15.4.
Variant type: single nucleotide variant.
Coding change: c.3857T>C on transcript NM_030962.4 (MANE Select); coding-DNA position 3857, T replaced by C.
Protein change: p.Val1286Ala; replaces valine 1286 with alanine.
Molecular consequence: missense variant.
Genome position (GRCh38, 1-based): chr11:9,816,961, A>G on the plus strand (T>C on the coding strand, the complement: SBF2 is on the minus strand). VCF-style: chr11-9816961-A-G. GRCh37 (hg19) VCF-style: chr11-9838508-A-G.
Other names: c.3953T>C, p.Val1318Ala (NM_001386339.1); c.3728T>C, p.Val1243Ala (NM_001386342.1); short protein forms V1286A, V1243A, V1318A.
Identifiers: ClinVar variation 225095 (VCV000225095.6), dbSNP rs869312963, ClinGen allele CA358114.

ClinVar aggregate classification (germline): Conflicting classifications of pathogenicity. Review status: criteria provided, conflicting classifications (1 of 4 stars). 2 submissions from 2 submitters: Likely pathogenic (1); Uncertain significance (1). Last evaluated 2023-05-22.

Conditions:
Inborn genetic diseases. Identifiers: MedGen C0950123, MeSH D030342.
Charcot-Marie-Tooth disease type 4. Also called: Charcot-Marie-Tooth disease, type IV; Charcot-Marie-Tooth, Type 4. Identifiers: Orphanet 64749, MedGen C4082197, MONDO:0018995.

Allele frequency attached by ClinVar (database versions not stated): gnomAD exomes below 0.00001.
gnomAD v4.1: 1 of 1,614,200 alleles (0.000062%); highest among the groups gnomAD compares: Non-Finnish European, 0.000085%; no homozygotes.

Submissions (2):

Labcorp Genetics (formerly Invitae), Labcorp
Classification: Uncertain significance for Charcot-Marie-Tooth disease type 4. Last evaluated: 2023-05-22. Review status: criteria provided, single submitter. Criteria: Invitae Variant Classification Sherloc (09022015). Collection method: clinical testing. Allele origin: germline.
Comment: In summary, the available evidence is currently insufficient to determine the role of this variant in disease. Therefore, it has been classified as a Variant of Uncertain Significance. Advanced modeling of protein sequence and biophysical properties (such as structural, functional, and spatial information, amino acid conservation, physicochemical variation, residue mobility, and thermodynamic stability) performed at Invitae indicates that this missense variant is not expected to disrupt SBF2 protein function. ClinVar contains an entry for this variant (Variation ID: 225095). This variant has not been reported in the literature in individuals affected with SBF2-related conditions. This variant is not present in population databases (gnomAD no frequency). This sequence change replaces valine, which is neutral and non-polar, with alanine, which is neutral and non-polar, at codon 1286 of the SBF2 protein (p.Val1286Ala).

Ambry Genetics
Classification: Likely pathogenic for Inborn genetic diseases. Last evaluated: 2014-06-13. Review status: criteria provided, single submitter. Criteria: Ambry Autosomal Dominant and X-Linked criteria (10/2015). Collection method: clinical testing. Allele origin: germline. Observed: 1 variant allele.